The following is an entry in ClinVar:

NM_030665.4(RAI1):c.1308G>A (p.Thr436=)

Gene: RAI1 (retinoic acid induced 1; plus strand). Cytogenetic location: 17p11.2.
Variant type: single nucleotide variant.
Coding change: c.1308G>A on transcript NM_030665.4 (MANE Select); coding-DNA position 1308, G replaced by A.
Protein change: p.Thr436=; no amino-acid change (threonine 436 retained).
Molecular consequence: synonymous variant.
Genome position (GRCh38, 1-based): chr17:17,794,256, G>A. VCF-style: chr17-17794256-G-A. GRCh37 (hg19) VCF-style: chr17-17697570-G-A.
Other names: c.1308G>A (NM_030665.3).
Identifiers: ClinVar variation 1641951 (VCV001641951.10), dbSNP rs759550630, ClinGen allele CA8418308.

ClinVar aggregate classification (germline): Likely benign. Review status: criteria provided, single submitter (1 of 4 stars). 2 submissions from 2 submitters: Likely benign (1). 1 of the submissions does not count toward it. Last evaluated 2025-04-21.

Conditions:
RAI1-related disorder. Also called: RAI1-related condition.

Allele frequency attached by ClinVar (database versions not stated): gnomAD 0.00002 and 0.00003; TOPMed 0.00002; gnomAD exomes 0.00006; ExAC 0.00008.
gnomAD v4.1: 33 of 1,613,174 alleles (0.002%); highest among the groups gnomAD compares: Middle Eastern, 0.016%; no homozygotes.

Submissions (2):

Labcorp Genetics (formerly Invitae), Labcorp
Classification: Likely benign. Last evaluated: 2025-04-21. Review status: criteria provided, single submitter. Criteria: Invitae Variant Classification Sherloc (09022015). Collection method: clinical testing. Allele origin: germline.

PreventionGenetics, part of Exact Sciences
Classification: Likely benign for RAI1-related condition. Last evaluated: 2024-01-25. Review status: no assertion criteria provided. Collection method: clinical testing. Allele origin: germline. Not counted in ClinVar's aggregate classification.
Comment: This variant is classified as likely benign based on ACMG/AMP sequence variant interpretation guidelines (Richards et al. 2015 PMID: 25741868, with internal and published modifications).